The following is an entry in ClinVar:

NM_019066.5(MAGEL2):c.2885del (p.Ser962fs)

Gene: MAGEL2 (MAGE family member L2; minus strand). Cytogenetic location: 15q11.2.
Variant type: Deletion.
Coding change: c.2885del on transcript NM_019066.5 (MANE Select); coding-DNA position 2885, one base deleted (G; older notation c.2885delG).
Protein change: p.Ser962fs; shifts the reading frame from serine 962.
Molecular consequence: frameshift variant.
Genome position (GRCh38, 1-based): chr15:23,644,858, C deleted on the plus strand (G on the coding strand, the reverse complement: MAGEL2 is on the minus strand). VCF-style (leftmost placement, unchanged base first): chr15-23644857-GC-G. GRCh37 (hg19) VCF-style: chr15-23890004-GC-G.
Other names: short protein forms S962fs.
Identifiers: ClinVar variation 3389760 (VCV003389760.14).

ClinVar aggregate classification (germline): Likely pathogenic (1 of 4 stars; one submission).

Submission:

CeGaT Center for Human Genetics Tuebingen
Classification: Likely pathogenic. Last evaluated: 2024-10-01. Review status: criteria provided, single submitter. Criteria: CeGaT Center For Human Genetics Tuebingen Variant Classification Criteria Version 2. Collection method: clinical testing. Allele origin: germline. Affected: yes. Observed: 1 variant allele.
Comment: MAGEL2: PVS1:Strong, PM2, PS2:Moderate